The following is an entry in ClinVar:

NM_001111.5(ADAR):c.650G>A (p.Ser217Asn)

Gene: ADAR (adenosine deaminase RNA specific; minus strand). Cytogenetic location: 1q21.3.
Variant type: single nucleotide variant.
Coding change: c.650G>A on transcript NM_001111.5 (MANE Select); coding-DNA position 650, G replaced by A.
Protein change: p.Ser217Asn; replaces serine 217 with asparagine.
Molecular consequence: missense variant. On other transcripts: 5 prime UTR variant (6).
Genome position (GRCh38, 1-based): chr1:154,601,992, C>T on the plus strand (G>A on the coding strand, the complement: ADAR is on the minus strand). VCF-style: chr1-154601992-C-T. GRCh37 (hg19) VCF-style: chr1-154574468-C-T.
Other names: c.650G>A, p.Ser217Asn (LRG_1212t1, NM_015840.4, NM_015841.4); c.-236G>A (NM_001025107.3, NM_001193495.2, NM_001365046.1 and 3 more transcripts); c.677G>A, p.Ser226Asn (NM_001365045.1); short protein forms S217N, S226N.
Identifiers: ClinVar variation 292785 (VCV000292785.14), dbSNP rs199906332, ClinGen allele CA1131661.

ClinVar aggregate classification (germline): Conflicting classifications of pathogenicity. Review status: criteria provided, conflicting classifications (1 of 4 stars). 3 submissions from 3 submitters: Uncertain significance (2); Benign (1). Last evaluated 2024-02-21.

Conditions:
Symmetrical dyschromatosis of extremities (DSH). Also called: Dyschromatosis symmetrica hereditaria; RETICULATE ACROPIGMENTATION OF DOHI; SYMMETRIC DYSCHROMATOSIS OF THE EXTREMITIES; DYSCHROMATOSIS SYMMETRICA HEREDITARIA 1. Identifiers: Orphanet 41, MedGen C0406775, MONDO:0007483, OMIM 127400.
Aicardi-Goutieres syndrome 6 (AGS6). Identifiers: Orphanet 51, MedGen C3539013, MONDO:0014007, OMIM 615010.
Inborn genetic diseases. Identifiers: MedGen C0950123, MeSH D030342.

Allele frequency attached by ClinVar (database versions not stated): gnomAD 0.00001 and 0.00002; TOPMed 0.00001; ExAC 0.00002; gnomAD exomes 0.00002 and 0.00006; 1000 Genomes Project 30x 0.00016; 1000 Genomes Project 0.00020.

Submissions (3):

Ambry Genetics
Classification: Uncertain significance for Inborn genetic diseases. Last evaluated: 2024-02-21. Review status: criteria provided, single submitter. Criteria: Ambry Variant Classification Scheme 2023. Collection method: clinical testing. Allele origin: germline.

Labcorp Genetics (formerly Invitae), Labcorp
Classification: Uncertain significance for Aicardi-Goutieres syndrome 6; Symmetrical dyschromatosis of extremities. Last evaluated: 2022-08-02. Review status: criteria provided, single submitter. Criteria: Invitae Variant Classification Sherloc (09022015). Collection method: clinical testing. Allele origin: germline.
Comment: In summary, the available evidence is currently insufficient to determine the role of this variant in disease. Therefore, it has been classified as a Variant of Uncertain Significance. Algorithms developed to predict the effect of missense changes on protein structure and function are either unavailable or do not agree on the potential impact of this missense change (SIFT: "Tolerated"; PolyPhen-2: "Not Available"; Align-GVGD: "Class C0"). ClinVar contains an entry for this variant (Variation ID: 292785). This variant has not been reported in the literature in individuals affected with ADAR-related conditions. This variant is present in population databases (rs199906332, gnomAD 0.02%). This sequence change replaces serine, which is neutral and polar, with asparagine, which is neutral and polar, at codon 217 of the ADAR protein (p.Ser217Asn).

Illumina Laboratory Services, Illumina
Classification: Benign for Symmetrical dyschromatosis of extremities. Last evaluated: 2018-01-13. Review status: criteria provided, single submitter. Criteria: ICSL Variant Classification Criteria 13 December 2019. Collection method: clinical testing. Allele origin: germline.
Comment: This variant was observed in the ICSL laboratory as part of a predisposition screen in an ostensibly healthy population. It had not been previously curated by ICSL or reported in the Human Gene Mutation Database (HGMD: prior to June 1st, 2018), and was therefore a candidate for classification through an automated scoring system. Utilizing variant allele frequency, disease prevalence and penetrance estimates, and inheritance mode, an automated score was calculated to assess if this variant is too frequent to cause the disease. Based on the score and internal cut-off values, a variant classified as benign is not then subjected to further curation. The score for this variant resulted in a classification of benign for this disease.